The following is an entry in ClinVar:

ClinVar aggregate classification (germline): Uncertain significance. Review status: criteria provided, multiple submitters, no conflicts (2 of 4 stars). 4 submissions from 4 submitters: Uncertain significance (4). Last evaluated 2026-01-17.

Conditions:
Epidermolysis bullosa simplex with nail dystrophy (EBS5D). Identifiers: MedGen C4225309, MONDO:0014661, OMIM 616487.
Epidermolysis bullosa simplex 5C, with pyloric atresia (EBS5C). Also called: PLEC-Related Epidermolysis Bullosa with Pyloric Atresia; Epidermolysis bullosa simplex with pyloric atresia; PLEC1-Related Epidermolysis Bullosa with Pyloric Atresia. Identifiers: Orphanet 158684, MedGen C2677349, MONDO:0012807, OMIM 612138.
Autosomal recessive limb-girdle muscular dystrophy type 2Q (LGMDR17). Also called: MUSCULAR DYSTROPHY, LIMB-GIRDLE, AUTOSOMAL RECESSIVE 17. Identifiers: Orphanet 254361, MedGen C3150989, MONDO:0013390, OMIM 613723.
Epidermolysis bullosa simplex 5B, with muscular dystrophy (EBS5B). Also called: EPIDERMOLYSIS BULLOSA SIMPLEX AND LIMB-GIRDLE MUSCULAR DYSTROPHY; Epidermolysis bullosa simplex with muscular dystrophy. Identifiers: Orphanet 257, MedGen C2931072, MONDO:0009181, OMIM 226670.
Epidermolysis bullosa simplex, Ogna type (EBS5A). Also called: Pidermolysis bullosa simplex 5A, Ogna type; EPIDERMOLYSIS BULLOSA SIMPLEX 5A, OGNA TYPE. Identifiers: Orphanet 79401, MedGen C0432317, MONDO:0007555, OMIM 131950.
Inborn genetic diseases. Identifiers: MedGen C0950123, MeSH D030342.

Allele frequency attached by ClinVar (database versions not stated): ExAC 0.00005; gnomAD 0.00006 and 0.00008; gnomAD exomes 0.00007; TOPMed 0.00009; 1000 Genomes Project 0.00020; 1000 Genomes Project 30x 0.00062.
gnomAD v4.1: 83 of 1,612,166 alleles (0.0051%); highest among the groups gnomAD compares: Admixed American, 0.033%; no homozygotes.

Submissions (4):

Labcorp Genetics (formerly Invitae), Labcorp
Classification: Uncertain significance for Autosomal recessive limb-girdle muscular dystrophy type 2Q; Epidermolysis bullosa simplex, Ogna type; Epidermolysis bullosa simplex with nail dystrophy; Epidermolysis bullosa simplex 5C, with pyloric atresia; Epidermolysis bullosa simplex 5B, with muscular dystrophy. Last evaluated: 2026-01-17. Review status: criteria provided, single submitter. Criteria: Invitae Variant Classification Sherloc (09022015). Collection method: clinical testing. Allele origin: germline.
Comment: This sequence change replaces serine, which is neutral and polar, with phenylalanine, which is neutral and non-polar, at codon 547 of the PLEC protein (p.Ser547Phe). This variant is present in population databases (rs201605325, gnomAD 0.03%). This variant has not been reported in the literature in individuals affected with PLEC-related conditions. ClinVar contains an entry for this variant (Variation ID: 283675). Experimental studies and prediction algorithms are not available or were not evaluated, and the functional significance of this variant is currently unknown. In summary, the available evidence is currently insufficient to determine the role of this variant in disease. Therefore, it has been classified as a Variant of Uncertain Significance.

Women's Health and Genetics/Laboratory Corporation of America, LabCorp
Classification: Uncertain significance. Last evaluated: 2024-07-12. Review status: criteria provided, single submitter. Criteria: LabCorp Variant Classification Summary - May 2015. Collection method: clinical testing. Allele origin: germline.
Comment: Variant summary: PLEC c.1640C>T (p.Ser547Phe) results in a non-conservative amino acid change in the encoded protein sequence. Three of five in-silico tools predict a benign effect of the variant on protein function. The variant allele was found at a frequency of 7.6e-05 in 276184 control chromosomes (gnomAD). This frequency is not significantly higher than estimated for a pathogenic variant in PLEC causing PLEC-Related Disorders, allowing no conclusion about variant significance. To our knowledge, no occurrence of c.1640C>T in individuals affected with PLEC-Related Disorders and no experimental evidence demonstrating its impact on protein function have been reported. ClinVar contains an entry for this variant (Variation ID: 283675). Based on the evidence outlined above, the variant was classified as uncertain significance.

Ambry Genetics
Classification: Uncertain significance for Inborn genetic diseases. Last evaluated: 2021-09-16. Review status: criteria provided, single submitter. Criteria: Ambry Variant Classification Scheme 2023. Collection method: clinical testing. Allele origin: germline.

Eurofins Ntd Llc (ga)
Classification: Uncertain significance. Last evaluated: 2015-09-29. Review status: criteria provided, single submitter. Criteria: EGL Classification Definitions 2015. Collection method: clinical testing. Allele origin: germline. Observed: 2 variant alleles, 1 heterozygote.

NM_201384.3(PLEC):c.1559C>T (p.Ser520Phe)

Gene: PLEC (plectin; minus strand). Cytogenetic location: 8q24.3.
Variant type: single nucleotide variant.
Coding change: c.1559C>T on transcript NM_201384.3 (MANE Select); coding-DNA position 1559, C replaced by T.
Protein change: p.Ser520Phe; replaces serine 520 with phenylalanine.
Molecular consequence: missense variant.
Genome position (GRCh38, 1-based): chr8:143,932,971, G>A on the plus strand (C>T on the coding strand, the complement: PLEC is on the minus strand). VCF-style: chr8-143932971-G-A. GRCh37 (hg19) VCF-style: chr8-145007139-G-A.
Other names: c.1640C>T, p.Ser547Phe (NM_000445.5); c.1517C>T, p.Ser506Phe (NM_201378.4); c.1493C>T, p.Ser498Phe (NM_201379.3); c.1970C>T, p.Ser657Phe (NM_201380.4); c.1463C>T, p.Ser488Phe (NM_201381.3); c.1559C>T, p.Ser520Phe (NM_201382.4); c.1571C>T, p.Ser524Phe (NM_201383.3); c.1640C>T (NM_000445.3); short protein forms S520F, S498F, S506F, S524F, S657F, S488F, S547F.
Identifiers: ClinVar variation 283675 (VCV000283675.14), dbSNP rs201605325, ClinGen allele CA4927925.